The following is an entry in ClinVar:

NM_001194998.2(CEP152):c.4168T>C (p.Cys1390Arg)

Gene: CEP152 (centrosomal protein 152; minus strand). Cytogenetic location: 15q21.1.
Variant type: single nucleotide variant.
Coding change: c.4168T>C on transcript NM_001194998.2 (MANE Select); coding-DNA position 4168, T replaced by C.
Protein change: p.Cys1390Arg; replaces cysteine 1390 with arginine.
Molecular consequence: missense variant.
Genome position (GRCh38, 1-based): chr15:48,739,214, A>G on the plus strand (T>C on the coding strand, the complement: CEP152 is on the minus strand). VCF-style: chr15-48739214-A-G. GRCh37 (hg19) VCF-style: chr15-49031411-A-G.
Other names: c.4000T>C, p.Cys1334Arg (NM_014985.4); c.4000T>C (NM_014985.3); short protein forms C1334R, C1390R.
Identifiers: ClinVar variation 2645318 (VCV002645318.25), dbSNP rs369150426, ClinGen allele CA7548146.

ClinVar aggregate classification (germline): Uncertain significance. Review status: criteria provided, multiple submitters, no conflicts (2 of 4 stars). 2 submissions from 2 submitters: Uncertain significance (2). Last evaluated 2024-04-20.

Conditions:
Inborn genetic diseases. Identifiers: MedGen C0950123, MeSH D030342.

Allele frequency attached by ClinVar (database versions not stated): gnomAD exomes 0.00001; ExAC 0.00002; gnomAD 0.00005; TOPMed 0.00006; ESP Exome Variant Server 0.00008.
gnomAD v4.1: 17 of 1,613,140 alleles (0.0011%); highest among the groups gnomAD compares: African/African-American, 0.017%; no homozygotes.

Submissions (2):

Ambry Genetics
Classification: Uncertain significance for Inborn genetic diseases. Last evaluated: 2024-04-20. Review status: criteria provided, single submitter. Criteria: Ambry Variant Classification Scheme 2023. Collection method: clinical testing. Allele origin: germline.

CeGaT Center for Human Genetics Tuebingen
Classification: Uncertain significance. Last evaluated: 2022-08-01. Review status: criteria provided, single submitter. Criteria: CeGaT Center For Human Genetics Tuebingen Variant Classification Criteria Version 2. Collection method: clinical testing. Allele origin: germline. Affected: yes. Observed: 1 variant allele.
Comment: CEP152: PM2:Supporting, BP4